The following is an entry in ClinVar:

ClinVar aggregate classification (germline): Uncertain significance (1 of 4 stars; one submission).

Submission:

GeneDx
Classification: Uncertain significance. Last evaluated: 2022-07-15. Review status: criteria provided, single submitter. Criteria: GeneDx Variant Classification Process June 2021. Collection method: clinical testing. Allele origin: germline. Affected: yes.
Comment: Not observed at significant frequency in large population cohorts (gnomAD); In silico analysis supports that this missense variant has a deleterious effect on protein structure/function; Has not been previously published as pathogenic or benign to our knowledge; Variants in candidate genes are classified as variants of uncertain significance in accordance with ACMG guidelines (Richards et al., 2015)

NM_032193.4(RNASEH2C):c.*1115C>T

Genes: RNASEH2C (ribonuclease H2 subunit C; minus strand), KAT5 (lysine acetyltransferase 5; plus strand). Cytogenetic location: 11q13.1.
Variant type: single nucleotide variant.
Coding change: c.*1115C>T on transcript NM_032193.4 (MANE Select); 1115 bases downstream of the stop codon, C replaced by T.
Molecular consequence: 3 prime UTR variant. On other transcripts: missense variant (4).
Genome position (GRCh38, 1-based): chr11:65,718,668, G>A on the plus strand (C>T on the coding strand, the complement: RNASEH2C is on the minus strand). VCF-style: chr11-65718668-G-A. GRCh37 (hg19) VCF-style: chr11-65486139-G-A.
Other names: c.1187G>A, p.Arg396Gln (NM_001206833.2); c.1244G>A, p.Arg415Gln (NM_006388.4); c.1088G>A, p.Arg363Gln (NM_182709.3); c.1343G>A, p.Arg448Gln (NM_182710.3); short protein forms R363Q, R396Q, R415Q, R448Q.
Identifiers: ClinVar variation 1878887 (VCV001878887.1), dbSNP rs2495299546, ClinGen allele CA381290255.